The following is an entry in ClinVar:

NM_014413.4(EIF2AK1):c.549+13G>A

Gene: EIF2AK1 (eukaryotic translation initiation factor 2 alpha kinase 1; minus strand). Cytogenetic location: 7p22.1.
Variant type: single nucleotide variant.
Coding change: c.549+13G>A on transcript NM_014413.4 (MANE Select); 13 bases into the intron after coding-DNA position 549, G replaced by A.
Molecular consequence: intron variant.
Genome position (GRCh38, 1-based): chr7:6,046,979, C>T on the plus strand (G>A on the coding strand, the complement: EIF2AK1 is on the minus strand). VCF-style: chr7-6046979-C-T. GRCh37 (hg19) VCF-style: chr7-6086610-C-T.
Other names: c.549+13G>A (NM_001134335.2).
Identifiers: ClinVar variation 2066765 (VCV002066765.4), dbSNP rs41282676, ClinGen allele CA4151167.

ClinVar aggregate classification (germline): Uncertain significance (1 of 4 stars; one submission).

gnomAD v4.1: 35 of 1,588,032 alleles (0.0022%); highest among the groups gnomAD compares: Non-Finnish European, 0.0027%; no homozygotes.

Submission:

Labcorp Genetics (formerly Invitae), Labcorp
Classification: Uncertain significance. Last evaluated: 2022-12-20. Review status: criteria provided, single submitter. Criteria: Invitae Variant Classification Sherloc (09022015). Collection method: clinical testing. Allele origin: germline.
Comment: This sequence change falls in intron 5 of the EIF2AK1 gene. It does not directly change the encoded amino acid sequence of the EIF2AK1 protein. This variant is present in population databases (rs41282676, gnomAD 0.007%). This variant has not been reported in the literature in individuals affected with EIF2AK1-related conditions. Algorithms developed to predict the effect of sequence changes on RNA splicing suggest that this variant may disrupt the consensus splice site. In summary, the available evidence is currently insufficient to determine the role of this variant in disease. Therefore, it has been classified as a Variant of Uncertain Significance.